The following is an entry in ClinVar:

ClinVar aggregate classification (germline): Uncertain significance. Review status: criteria provided, multiple submitters, no conflicts (2 of 4 stars). 2 submissions from 2 submitters: Uncertain significance (2). Last evaluated 2026-03-30.

Conditions:
Inborn genetic diseases. Identifiers: MedGen C0950123, MeSH D030342.
CHARGE syndrome (CHARGE). Also called: Hittner Hirsch Kreh syndrome; CHARGE ASSOCIATION--COLOBOMA, HEART ANOMALY, CHOANAL ATRESIA, RETARDATION, GENITAL AND EAR ANOMALIES; Coloboma, heart anomaly, choanal atresia, retardation, genital and ear anomalies; CHARGE association; Hall-Hittner syndrome. Identifiers: Orphanet 138, MedGen C0265354, MONDO:0008965.
Hypogonadotropic hypogonadism 5 with or without anosmia (KAL5). Also called: CHD7-Related GnRH Deficiency (Kallmann Syndrome 5); HYPOGONADOTROPIC HYPOGONADISM 5 WITH ANOSMIA; HYPOGONADOTROPHIC HYPOGONADISM 5 WITHOUT ANOSMIA. Identifiers: Orphanet 478, MedGen C3552553, MONDO:0012880, OMIM 612370. Disease mechanism: loss of function.

gnomAD v4.1: 31 of 1,613,064 alleles (0.0019%); highest among the groups gnomAD compares: Non-Finnish European, 0.0025%; no homozygotes.

Submissions (2):

Ambry Genetics
Classification: Uncertain significance for Inborn genetic diseases. Last evaluated: 2026-03-30. Review status: criteria provided, single submitter. Criteria: Ambry Variant Classification Scheme 2023. Collection method: clinical testing. Allele origin: germline.
Comment: The p.I1959V variant (also known as c.5875A>G), located in coding exon 28 of the CHD7 gene, results from an A to G substitution at nucleotide position 5875. The isoleucine at codon 1959 is replaced by valine, an amino acid with highly similar properties. This amino acid position is conserved. In addition, this alteration is predicted to be tolerated by in silico analysis. Based on the available evidence, the clinical significance of this variant remains unclear.

Fulgent Genetics
Classification: Uncertain significance for CHD7-related CHARGE syndrome; Hypogonadotropic hypogonadism 5 with or without anosmia. Last evaluated: 2023-12-27. Review status: criteria provided, single submitter. Criteria: ACMG Guidelines, 2015. Collection method: clinical testing. Allele origin: germline.

NM_017780.4(CHD7):c.5875A>G (p.Ile1959Val)

Gene: CHD7 (chromodomain helicase DNA binding protein 7; plus strand). Cytogenetic location: 8q12.2.
Variant type: single nucleotide variant.
Coding change: c.5875A>G on transcript NM_017780.4 (MANE Select); coding-DNA position 5875, A replaced by G.
Protein change: p.Ile1959Val; replaces isoleucine 1959 with valine.
Molecular consequence: missense variant. On other transcripts: intron variant (1).
Genome position (GRCh38, 1-based): chr8:60,852,228, A>G. VCF-style: chr8-60852228-A-G. GRCh37 (hg19) VCF-style: chr8-61764787-A-G.
Other names: c.1717-10001A>G (NM_001316690.1); c.5875A>G (NM_017780.3); short protein forms I1959V.
Identifiers: ClinVar variation 3595741 (VCV003595741.2).